The following is an entry in ClinVar:

ClinVar aggregate classification (germline): Uncertain significance (1 of 4 stars; one submission).

Conditions:
Dilated cardiomyopathy 1G (CMD1G). Identifiers: Orphanet 154, MedGen C1858763, MONDO:0011400, OMIM 604145.
Autosomal recessive limb-girdle muscular dystrophy type 2J (LGMDR10). Also called: Limb-girdle muscular dystrophy, type 2J; MUSCULAR DYSTROPHY, LIMB-GIRDLE, AUTOSOMAL RECESSIVE 10. Identifiers: Orphanet 140922, MedGen C1837342, MONDO:0012127, OMIM 608807.

Submission:

Labcorp Genetics (formerly Invitae), Labcorp
Classification: Uncertain significance for Dilated cardiomyopathy 1G; Autosomal recessive limb-girdle muscular dystrophy type 2J. Last evaluated: 2024-01-21. Review status: criteria provided, single submitter. Criteria: Invitae Variant Classification Sherloc (09022015). Collection method: clinical testing. Allele origin: germline.
Comment: This sequence change falls in intron 323 of the TTN gene. It does not directly change the encoded amino acid sequence of the TTN protein. It affects a nucleotide within the consensus splice site. This variant is not present in population databases (gnomAD no frequency). This variant has not been reported in the literature in individuals affected with TTN-related conditions. Variants that disrupt the consensus splice site are a relatively common cause of aberrant splicing (PMID: 17576681, 9536098). Algorithms developed to predict the effect of sequence changes on RNA splicing suggest that this variant is not likely to affect RNA splicing. This variant is located in the A band of TTN (PMID: 25589632). Variants in this region may be relevant for cardiac or neuromuscular disorders (PMID: 25589632, 23975875). In summary, the available evidence is currently insufficient to determine the role of this variant in disease. Therefore, it has been classified as a Variant of Uncertain Significance.

Literature cited by the submitters: PubMed 17576681; PubMed 9536098; PubMed 25589632; PubMed 23975875.

NM_001267550.2(TTN):c.68824+3A>G

Genes: TTN (titin; minus strand), TTN-AS1 (TTN antisense RNA 1; plus strand). Cytogenetic location: 2q31.2.
Variant type: single nucleotide variant.
Coding change: c.68824+3A>G on transcript NM_001267550.2 (MANE Select); 3 bases into the intron after coding-DNA position 68824, A replaced by G.
Molecular consequence: intron variant.
Genome position (GRCh38, 1-based): chr2:178,577,599, T>C on the plus strand (A>G on the coding strand, the complement: TTN is on the minus strand). VCF-style: chr2-178577599-T-C. GRCh37 (hg19) VCF-style: chr2-179442326-T-C.
Other names: c.41629+3A>G (NM_003319.4); c.42205+3A>G (NM_133437.4); c.42004+3A>G (NM_133432.3); c.61120+3A>G (NM_133378.4); c.63901+3A>G (NM_001256850.1).
Identifiers: ClinVar variation 2922350 (VCV002922350.3), dbSNP rs2046735446, ClinGen allele CA430259319.